The following is an entry in ClinVar:

ClinVar aggregate classification (germline): Pathogenic. Review status: criteria provided, multiple submitters, no conflicts (2 of 4 stars). 2 submissions from 2 submitters: Pathogenic (2). Last evaluated 2026-02-03.

Conditions:
Gorlin syndrome. Also called: Nevoid Basal Cell Carcinoma Syndrome; Basal cell nevus syndrome. Identifiers: Orphanet 377, MedGen C0004779, MONDO:0007187.
Medulloblastoma (MDB). Also called: Medulloblastoma, somatic; MEDULLOBLASTOMA PREDISPOSITION SYNDROME. Identifiers: Orphanet 616, MedGen C0025149, MeSH D008527, MONDO:0007959, OMIM 155255, HP:0002885.
Hereditary cancer-predisposing syndrome. Also called: Tumor predisposition; Hereditary neoplastic syndrome; Hereditary Cancer Syndrome; Neoplastic Syndromes, Hereditary. Identifiers: Orphanet 140162, MedGen C0027672, MeSH D009386, MONDO:0015356.

Submissions (2):

Ambry Genetics
Classification: Pathogenic for Hereditary cancer-predisposing syndrome. Last evaluated: 2026-02-03. Review status: criteria provided, single submitter. Criteria: Ambry Variant Classification Scheme 2023. Collection method: clinical testing. Allele origin: germline.
Comment: The c.1009delC variant, located in coding exon 8 of the SUFU gene, results from a deletion of one nucleotide at nucleotide position 1009, causing a translational frameshift with a predicted alternate stop codon (p.H337Tfs*24). This variant was reported in individual(s) with features consistent with SUFU-related disorders (Ambry internal data). This alteration is expected to result in loss of function by premature protein truncation or nonsense-mediated mRNA decay. As such, this alteration is interpreted as a disease-causing mutation.

Labcorp Genetics (formerly Invitae), Labcorp
Classification: Pathogenic for Gorlin syndrome; Medulloblastoma. Last evaluated: 2024-03-06. Review status: criteria provided, single submitter. Criteria: Invitae Variant Classification Sherloc (09022015). Collection method: clinical testing. Allele origin: germline.
Comment: This sequence change creates a premature translational stop signal (p.His337Thrfs*24) in the SUFU gene. It is expected to result in an absent or disrupted protein product. Loss-of-function variants in SUFU are known to be pathogenic (PMID: 22508808, 25403219, 33024317). This variant is not present in population databases (gnomAD no frequency). This variant has not been reported in the literature in individuals affected with SUFU-related conditions. ClinVar contains an entry for this variant (Variation ID: 957712). For these reasons, this variant has been classified as Pathogenic.

Literature cited by the submitters: PubMed 22508808 (cited by Labcorp Genetics (formerly Invitae), Labcorp); PubMed 25403219 (cited by Labcorp Genetics (formerly Invitae), Labcorp); PubMed 33024317 (cited by Labcorp Genetics (formerly Invitae), Labcorp).

NM_016169.4(SUFU):c.1009del (p.His337fs)

Gene: SUFU (SUFU negative regulator of hedgehog signaling; plus strand). Cytogenetic location: 10q24.32.
Variant type: Deletion.
Coding change: c.1009del on transcript NM_016169.4 (MANE Select); coding-DNA position 1009, one base deleted (C; older notation c.1009delC).
Protein change: p.His337fs; shifts the reading frame from histidine 337.
Molecular consequence: frameshift variant.
Genome position (GRCh38, 1-based): chr10:102,599,531, C deleted; the last of 3 consecutive C bases (chr10:102,599,529-102,599,531); deleting any one gives the same sequence. VCF-style (leftmost placement, unchanged base first): chr10-102599528-GC-G. GRCh37 (hg19) VCF-style: chr10-104359285-GC-G.
Other names: c.1009del, p.His337fs (NM_001178133.2); c.1009delC (NM_016169.3); short protein forms H337fs.
Identifiers: ClinVar variation 957712 (VCV000957712.9), dbSNP rs869300423, ClinGen allele CA212269262.